The following is an entry in ClinVar:

ClinVar aggregate classification (germline): Uncertain significance (1 of 4 stars; one submission).

Conditions:
Developmental and epileptic encephalopathy, 9 (DEE9). Also called: Early infantile epileptic encephalopathy 9; EPILEPSY, FEMALE-RESTRICTED, WITH MENTAL RETARDATION; JUBERG-HELLMAN SYNDROME; PCDH19-Related X-Linked Female-Limited Epilepsy with Mental Retardation. Identifiers: Orphanet 101039, Orphanet 2076, MedGen C1848137, MONDO:0010246, OMIM 300088. Disease mechanism: loss of function.

Submission:

Labcorp Genetics (formerly Invitae), Labcorp
Classification: Uncertain significance for Developmental and epileptic encephalopathy, 9. Last evaluated: 2022-09-07. Review status: criteria provided, single submitter. Criteria: Invitae Variant Classification Sherloc (09022015). Collection method: clinical testing. Allele origin: germline.
Comment: This sequence change replaces asparagine, which is neutral and polar, with serine, which is neutral and polar, at codon 557 of the PCDH19 protein (p.Asn557Ser). In summary, the available evidence is currently insufficient to determine the role of this variant in disease. Therefore, it has been classified as a Variant of Uncertain Significance. Algorithms developed to predict the effect of sequence changes on RNA splicing suggest that this variant may create or strengthen a splice site. Advanced modeling of protein sequence and biophysical properties (such as structural, functional, and spatial information, amino acid conservation, physicochemical variation, residue mobility, and thermodynamic stability) performed at Invitae indicates that this missense variant is expected to disrupt PCDH19 protein function. ClinVar contains an entry for this variant (Variation ID: 955131). This variant has not been reported in the literature in individuals affected with PCDH19-related conditions. This variant is not present in population databases (gnomAD no frequency).

NM_001184880.2(PCDH19):c.1670A>G (p.Asn557Ser)

Gene: PCDH19 (protocadherin 19; minus strand). Cytogenetic location: Xq22.1.
Variant type: single nucleotide variant.
Coding change: c.1670A>G on transcript NM_001184880.2 (MANE Select); coding-DNA position 1670, A replaced by G.
Protein change: p.Asn557Ser; replaces asparagine 557 with serine.
Molecular consequence: missense variant.
Genome position (GRCh38, 1-based): chrX:100,406,928, T>C on the plus strand (A>G on the coding strand, the complement: PCDH19 is on the minus strand). VCF-style: chrX-100406928-T-C. GRCh37 (hg19) VCF-style: chrX-99661926-T-C.
Other names: c.1670A>G, p.Asn557Ser (NM_001105243.2, NM_020766.3); short protein forms N557S.
Identifiers: ClinVar variation 955131 (VCV000955131.10), dbSNP rs1928372472, ClinGen allele CA414002221.